The following is an entry in ClinVar:

NM_006348.5(COG5):c.2295+2T>C

Gene: COG5 (component of oligomeric golgi complex 5; minus strand). Cytogenetic location: 7q22.3.
Variant type: single nucleotide variant.
Coding change: c.2295+2T>C on transcript NM_006348.5 (MANE Select); the canonical splice donor site of the intron after coding-DNA position 2295, T replaced by C.
Molecular consequence: splice donor variant. On other transcripts: intron variant (1).
Genome position (GRCh38, 1-based): chr7:107,211,097, A>G on the plus strand (T>C on the coding strand, the complement: COG5 is on the minus strand). VCF-style: chr7-107211097-A-G. GRCh37 (hg19) VCF-style: chr7-106851542-A-G.
Other names: c.1581+2T>C (NM_001379516.1); c.1725+2T>C (NM_001379515.1); c.2133+2T>C (NM_001379511.1); c.2121+2T>C (NM_001379512.1); c.2232+2T>C (NM_181733.4); c.1980+2T>C (NM_001379514.1); c.2169-7467T>C (NM_001379513.1); c.2295+2T>C (NM_001161520.2).
Identifiers: ClinVar variation 3625362 (VCV003625362.3).
Genomic context (GRCh38, chr7:107,211,097, plus strand): 5'-CAGGATTCACACAGGTAATGGGAAGAGTCACAAAAGGGTTCTGGCTTGACTTTATTTATT[A>G]CCTGGAAAGGAGATTTCAGTTCAGCGGGTGCTCTCGTGAACAAAAACTGAATAATGATGC-3'

ClinVar aggregate classification (germline): Pathogenic/Likely pathogenic. Review status: criteria provided, multiple submitters, no conflicts (2 of 4 stars). 2 submissions from 2 submitters: Pathogenic (1); Likely pathogenic (1). Last evaluated 2026-01-26.

Conditions:
COG5-congenital disorder of glycosylation. Also called: CONGENITAL DISORDER OF GLYCOSYLATION, TYPE IIi; CDG IIi; COG5-CDG. Identifiers: Orphanet 263487, MedGen C3150876, MONDO:0013325, OMIM 613612.

gnomAD v4.1: 2 of 1,614,086 alleles (0.00012%); highest among the groups gnomAD compares: Non-Finnish European, 0.00017%; no homozygotes.

Submissions (2):

Labcorp Genetics (formerly Invitae), Labcorp
Classification: Likely pathogenic for COG5-congenital disorder of glycosylation. Last evaluated: 2026-01-26. Review status: criteria provided, single submitter. Criteria: Invitae Variant Classification Sherloc (09022015). Collection method: clinical testing. Allele origin: germline.
Comment: This sequence change affects a donor splice site in intron 20 of the COG5 gene. It is expected to disrupt RNA splicing. Variants that disrupt the donor or acceptor splice site typically lead to a loss of protein function (PMID: 16199547), and loss-of-function variants in COG5 are known to be pathogenic (PMID: 23228021). This variant is not present in population databases (gnomAD no frequency). This variant has not been reported in the literature in individuals affected with COG5-related conditions. ClinVar contains an entry for this variant (Variation ID: 3625362). Algorithms developed to predict the effect of sequence changes on RNA splicing suggest that this variant may disrupt the consensus splice site. In summary, the currently available evidence indicates that the variant is pathogenic, but additional data are needed to prove that conclusively. Therefore, this variant has been classified as Likely Pathogenic.

3billion
Classification: Pathogenic for COG5-congenital disorder of glycosylation. Last evaluated: 2023-10-25. Review status: criteria provided, single submitter. Criteria: ACMG Guidelines, 2015. Collection method: clinical testing. Allele origin: germline. Affected: yes.
Comment: The variant is not observed in the gnomAD v2.1.1 dataset. Predicted Consequence/Location: Canonical splice site: predicted to alter splicing and result in a loss or disruption of normal protein function. Multiple pathogenic loss-of-function variants are reported downstream of the variant. Therefore, this variant is classified as Pathogenic according to the recommendation of ACMG/AMP guideline.

Literature cited by the submitters: PubMed 16199547 (cited by Labcorp Genetics (formerly Invitae), Labcorp); PubMed 23228021 (cited by Labcorp Genetics (formerly Invitae), Labcorp).